The following is an entry in ClinVar:

NC_000014.8:g.(?_88852163)_(88904766_?)del

Gene: SPATA7 (spermatogenesis associated 7; plus strand). Cytogenetic location: 14q31.3.
Variant type: Deletion.
Identifiers: ClinVar variation 2426472 (VCV002426472.2).

ClinVar aggregate classification (germline): Pathogenic (1 of 4 stars; one submission).

Conditions:
Leber congenital amaurosis 3 (LCA3). Also called: SPATA7-Related Retinitis Pigmentosa. Identifiers: MedGen C1858677, MONDO:0011415, OMIM 604232.

Submission:

Labcorp Genetics (formerly Invitae), Labcorp
Classification: Pathogenic for Leber congenital amaurosis 3. Last evaluated: 2022-02-05. Review status: criteria provided, single submitter. Criteria: Invitae Variant Classification Sherloc (09022015). Collection method: clinical testing. Allele origin: germline.
Comment: A gross deletion of the genomic region encompassing the full coding sequence of the SPATA7 gene has been identified. Loss-of-function variants in SPATA7 are known to be pathogenic (PMID: 19268277, 22334370, 23847139, 26047050, 26261414). The boundaries of this event are unknown as they extend beyond the assayed region for this gene and therefore may encompass additional genes. This variant has not been reported in the literature in individuals affected with SPATA7-related conditions. For these reasons, this variant has been classified as Pathogenic.

Literature cited by the submitters: PubMed 19268277; PubMed 22334370; PubMed 23847139; PubMed 26047050; PubMed 26261414.